The following is an entry in ClinVar:

ClinVar aggregate classification (germline): Likely benign. Review status: criteria provided, multiple submitters, no conflicts (2 of 4 stars). 3 submissions from 3 submitters: Likely benign (2). 1 of the submissions does not count toward it. Last evaluated 2025-11-09.

Conditions:
KMT2D-related disorder. Also called: KMT2D-Related Disorders.
Kabuki syndrome. Also called: NIIKAWA-KUROKI SYNDROME; Kabuki make-up syndrome. Identifiers: Orphanet 2322, MedGen C0796004, MONDO:0016512.

Allele frequency attached by ClinVar (database versions not stated): ExAC 0.00003; TOPMed 0.00003; gnomAD exomes 0.00004; gnomAD 0.00006; ESP Exome Variant Server 0.00008.
gnomAD v4.1: 161 of 1,613,446 alleles (0.01%); highest among the groups gnomAD compares: Non-Finnish European, 0.012%; no homozygotes.

Submissions (3):

Labcorp Genetics (formerly Invitae), Labcorp
Classification: Likely benign for Kabuki syndrome. Last evaluated: 2025-11-09. Review status: criteria provided, single submitter. Criteria: Invitae Variant Classification Sherloc (09022015). Collection method: clinical testing. Allele origin: germline.

GeneDx
Classification: Likely benign. Last evaluated: 2020-08-07. Review status: criteria provided, single submitter. Criteria: GeneDx Variant Classification Process June 2021. Collection method: clinical testing. Allele origin: germline. Affected: yes.

PreventionGenetics, part of Exact Sciences
Classification: Likely benign for KMT2D-related condition. Last evaluated: 2024-05-20. Review status: no assertion criteria provided. Collection method: clinical testing. Allele origin: germline. Not counted in ClinVar's aggregate classification.
Comment: This variant is classified as likely benign based on ACMG/AMP sequence variant interpretation guidelines (Richards et al. 2015 PMID: 25741868, with internal and published modifications).

NM_003482.4(KMT2D):c.213C>T (p.Cys71=)

Gene: KMT2D (lysine methyltransferase 2D; minus strand). Cytogenetic location: 12q13.12.
Variant type: single nucleotide variant.
Coding change: c.213C>T on transcript NM_003482.4 (MANE Select); coding-DNA position 213, C replaced by T.
Protein change: p.Cys71=; no amino-acid change (cysteine 71 retained).
Molecular consequence: synonymous variant.
Genome position (GRCh38, 1-based): chr12:49,054,715, G>A on the plus strand (C>T on the coding strand, the complement: KMT2D is on the minus strand). VCF-style: chr12-49054715-G-A. GRCh37 (hg19) VCF-style: chr12-49448498-G-A.
Identifiers: ClinVar variation 1214445 (VCV001214445.12), dbSNP rs372109249, ClinGen allele CA6548766.